The following is an entry in ClinVar:

NM_004525.3(LRP2):c.9944A>G (p.Asn3315Ser)

Gene: LRP2 (LDL receptor related protein 2; minus strand). Cytogenetic location: 2q31.1.
Variant type: single nucleotide variant.
Coding change: c.9944A>G on transcript NM_004525.3 (MANE Select); coding-DNA position 9944, A replaced by G.
Protein change: p.Asn3315Ser; replaces asparagine 3315 with serine.
Molecular consequence: missense variant.
Genome position (GRCh38, 1-based): chr2:169,182,221, T>C on the plus strand (A>G on the coding strand, the complement: LRP2 is on the minus strand). VCF-style: chr2-169182221-T-C. GRCh37 (hg19) VCF-style: chr2-170038731-T-C.
Other names: c.9944A>G (NM_004525.2); short protein forms N3315S.
Identifiers: ClinVar variation 1913670 (VCV001913670.3), dbSNP rs772442505, ClinGen allele CA1953480.

ClinVar aggregate classification (germline): Uncertain significance. Review status: criteria provided, multiple submitters, no conflicts (2 of 4 stars). 2 submissions from 2 submitters: Uncertain significance (2). Last evaluated 2024-07-12.

Allele frequency attached by ClinVar (database versions not stated): ExAC 0.00001; TOPMed 0.00002; gnomAD 0.00003.
gnomAD v4.1: 17 of 1,614,058 alleles (0.0011%); highest among the groups gnomAD compares: East Asian, 0.018%; no homozygotes.

Submissions (2):

GeneDx
Classification: Uncertain significance. Last evaluated: 2024-07-12. Review status: criteria provided, single submitter. Criteria: GeneDx Variant Classification Process June 2021. Collection method: clinical testing. Allele origin: germline. Affected: yes.
Comment: Identified in the heterozygous state in one patient with severe early-onset obesity (PMID: 32153512); In silico analysis indicates that this missense variant does not alter protein structure/function; This variant is associated with the following publications: (PMID: 32153512)

Labcorp Genetics (formerly Invitae), Labcorp
Classification: Uncertain significance. Last evaluated: 2022-08-23. Review status: criteria provided, single submitter. Criteria: Invitae Variant Classification Sherloc (09022015). Collection method: clinical testing. Allele origin: germline.
Comment: This sequence change replaces asparagine, which is neutral and polar, with serine, which is neutral and polar, at codon 3315 of the LRP2 protein (p.Asn3315Ser). This variant is present in population databases (rs772442505, gnomAD 0.008%). This variant has not been reported in the literature in individuals affected with LRP2-related conditions. Algorithms developed to predict the effect of missense changes on protein structure and function are either unavailable or do not agree on the potential impact of this missense change (SIFT: "Deleterious"; PolyPhen-2: "Probably Damaging"; Align-GVGD: "Class C0"). Algorithms developed to predict the effect of sequence changes on RNA splicing suggest that this variant may create or strengthen a splice site. In summary, the available evidence is currently insufficient to determine the role of this variant in disease. Therefore, it has been classified as a Variant of Uncertain Significance.